The following is an entry in ClinVar:

ClinVar aggregate classification (germline): Conflicting classifications of pathogenicity. Review status: criteria provided, conflicting classifications (1 of 4 stars). 2 submissions from 2 submitters: Likely pathogenic (1); Uncertain significance (1). Last evaluated 2024-08-15.

Conditions:
Wolman disease (WOLD). Also called: LYSOSOMAL ACID LIPASE DEFICIENCY, ACUTE INFANTILE; LYSOSOMAL ACID LIPASE DEFICIENCY, COMPLETE; LIPA DEFICIENCY, COMPLETE; LAL DEFICIENCY, COMPLETE; CHOLESTEROL ESTER HYDROLASE DEFICIENCY, COMPLETE; Acid cholesteryl ester hydrolase deficiency, Wolman type. Identifiers: Orphanet 75233, MedGen C0043208, MONDO:0019148, OMIM 620151.
Lysosomal acid lipase deficiency. Also called: Acid cholesteryl ester hydrolase deficiency, type 2. Identifiers: Orphanet 275761, MedGen C5574740, MONDO:0800449, MONDO:0010204.

Submissions (2):

Labcorp Genetics (formerly Invitae), Labcorp
Classification: Uncertain significance for Wolman disease. Last evaluated: 2024-08-15. Review status: criteria provided, single submitter. Criteria: Invitae Variant Classification Sherloc (09022015). Collection method: clinical testing. Allele origin: germline.
Comment: This sequence change replaces leucine, which is neutral and non-polar, with proline, which is neutral and non-polar, at codon 89 of the LIPA protein (p.Leu89Pro). This variant is not present in population databases (gnomAD no frequency). This missense change has been observed in individual(s) with lysosomal acid lipase (LAL) deficiency (PMID: 31340901). ClinVar contains an entry for this variant (Variation ID: 1685367). Invitae Evidence Modeling of protein sequence and biophysical properties (such as structural, functional, and spatial information, amino acid conservation, physicochemical variation, residue mobility, and thermodynamic stability) indicates that this missense variant is expected to disrupt LIPA protein function with a positive predictive value of 80%. In summary, the available evidence is currently insufficient to determine the role of this variant in disease. Therefore, it has been classified as a Variant of Uncertain Significance.

Mendelics
Classification: Likely pathogenic for Cholesteryl ester storage disease. Last evaluated: 2022-05-04. Review status: criteria provided, single submitter. Criteria: Mendelics Assertion Criteria 2019. Collection method: clinical testing. Allele origin: germline.

Literature cited by the submitters: PubMed 31340901 (cited by Labcorp Genetics (formerly Invitae), Labcorp).

NM_000235.4(LIPA):c.266T>C (p.Leu89Pro)

Gene: LIPA (lipase A, lysosomal acid type; minus strand). Cytogenetic location: 10q23.31.
Variant type: single nucleotide variant.
Coding change: c.266T>C on transcript NM_000235.4 (MANE Select); coding-DNA position 266, T replaced by C.
Protein change: p.Leu89Pro; replaces leucine 89 with proline.
Molecular consequence: missense variant. On other transcripts: 5 prime UTR variant (1).
Genome position (GRCh38, 1-based): chr10:89,228,362, A>G on the plus strand (T>C on the coding strand, the complement: LIPA is on the minus strand). VCF-style: chr10-89228362-A-G. GRCh37 (hg19) VCF-style: chr10-90988119-A-G.
Other names: c.266T>C, p.Leu89Pro (NM_001127605.3); c.-83T>C (NM_001288979.2); short protein forms L89P.
Identifiers: ClinVar variation 1685367 (VCV001685367.4), dbSNP rs2133436727, ClinGen allele CA377518083.